The following is an entry in ClinVar:

ClinVar aggregate classification (germline): Conflicting classifications of pathogenicity. Review status: criteria provided, conflicting classifications (1 of 4 stars). 2 submissions from 2 submitters: Uncertain significance (1); Likely benign (1). Last evaluated 2024-12-31.

Conditions:
CEP290-related disorder. Also called: CEP290-related condition; CEP290-related disorders. Identifiers: MedGen CN239314.
Inborn genetic diseases. Identifiers: MedGen C0950123, MeSH D030342.

gnomAD v4.1: 21 of 1,613,686 alleles (0.0013%); highest among the groups gnomAD compares: Non-Finnish European, 0.0016%; no homozygotes.

Submissions (2):

PreventionGenetics, part of Exact Sciences
Classification: Uncertain significance for CEP290-related condition. Last evaluated: 2024-12-31. Review status: criteria provided, single submitter. Criteria: ACMG Guidelines, 2015. Collection method: clinical testing. Allele origin: germline.
Comment: The CEP290 c.4534A>G variant is predicted to result in the amino acid substitution p.Thr1512Ala. To our knowledge, this variant has not been reported in the literature. This variant is reported in 0.00089% of alleles in individuals of European (Non-Finnish) descent in gnomAD. At this time, the clinical significance of this variant is uncertain due to the absence of conclusive functional and genetic evidence.

Ambry Genetics
Classification: Likely benign for Inborn genetic diseases. Last evaluated: 2024-10-01. Review status: criteria provided, single submitter. Criteria: Ambry Variant Classification Scheme 2023. Collection method: clinical testing. Allele origin: germline.

NM_025114.4(CEP290):c.4534A>G (p.Thr1512Ala)

Gene: CEP290 (centrosomal protein 290; minus strand). Cytogenetic location: 12q21.32.
Variant type: single nucleotide variant.
Coding change: c.4534A>G on transcript NM_025114.4 (MANE Select); coding-DNA position 4534, A replaced by G.
Protein change: p.Thr1512Ala; replaces threonine 1512 with alanine.
Molecular consequence: missense variant.
Genome position (GRCh38, 1-based): chr12:88,084,756, T>C on the plus strand (A>G on the coding strand, the complement: CEP290 is on the minus strand). VCF-style: chr12-88084756-T-C. GRCh37 (hg19) VCF-style: chr12-88478533-T-C.
Other names: short protein forms T1512A.
Identifiers: ClinVar variation 3490697 (VCV003490697.2).